The following is an entry in ClinVar:

ClinVar aggregate classification (germline): Pathogenic/Likely pathogenic. Review status: criteria provided, multiple submitters, no conflicts (2 of 4 stars). 3 submissions from 3 submitters: Pathogenic (2); Likely pathogenic (1). Last evaluated 2025-12-11.

Conditions:
Carney-Stratakis syndrome. Also called: PARAGANGLIOMA AND GASTROINTESTINAL STROMAL TUMOR. Identifiers: Orphanet 97286, MedGen C1847319, MONDO:0011740, OMIM 606864.
Pheochromocytoma. Also called: MAX-Related Hereditary Paraganglioma-Pheochromocytoma Syndrome. Identifiers: Orphanet 29072, MedGen C0031511, MONDO:0008233, OMIM 171300, HP:0002666.
Cowden syndrome 3 (CWS3). Identifiers: Orphanet 201, MedGen CN166604, MONDO:0014045.
Paragangliomas with sensorineural hearing loss. Identifiers: MedGen C1868633.
Hereditary cancer-predisposing syndrome. Also called: Hereditary neoplastic syndrome; Hereditary Cancer Syndrome; Neoplastic Syndromes, Hereditary; Tumor predisposition. Identifiers: Orphanet 140162, MedGen C0027672, MeSH D009386, MONDO:0015356.

Submissions (3):

Ambry Genetics
Classification: Pathogenic for Hereditary cancer-predisposing syndrome. Last evaluated: 2025-12-11. Review status: criteria provided, single submitter. Criteria: Ambry Variant Classification Scheme 2023. Collection method: clinical testing. Allele origin: germline.
Comment: The c.283delC pathogenic mutation, located in coding exon 3 of the SDHD gene, results from a deletion of one nucleotide at nucleotide position 283, causing a translational frameshift with a predicted alternate stop codon (p.L95Wfs*40). This alteration occurs at the 3' terminus of the gene, is not expected to trigger nonsense-mediated mRNA decay, and impacts the last 40% of the protein. However, premature stop codons are typically deleterious in nature, the impacted region is critical for protein function, and a significant portion of the protein is affected (Ambry internal data). This variant was reported in individual(s) with features consistent with SDHD-related hereditary pheochromocytoma-paraganglioma (Yoshihama K et al. Clin Genet, 2023 Apr;103:466-471; Ambry internal data). This variant is considered to be rare based on population cohorts in the Genome Aggregation Database (gnomAD). Based on the supporting evidence, this variant is interpreted as a disease-causing mutation.

Labcorp Genetics (formerly Invitae), Labcorp
Classification: Pathogenic for Carney-Stratakis syndrome; Paragangliomas with sensorineural hearing loss; Pheochromocytoma; Cowden syndrome 3. Last evaluated: 2025-10-23. Review status: criteria provided, single submitter. Criteria: Invitae Variant Classification Sherloc (09022015). Collection method: clinical testing. Allele origin: germline.
Comment: This sequence change creates a premature translational stop signal (p.Leu95Trpfs*40) in the SDHD gene. While this is not anticipated to result in nonsense mediated decay, it is expected to disrupt the last 65 amino acid(s) of the SDHD protein. This variant is not present in population databases (gnomAD no frequency). This premature translational stop signal has been observed in individual(s) with SDHD-related conditions (PMID: 36597280). ClinVar contains an entry for this variant (Variation ID: 1405955). This variant disrupts a region of the SDHD protein in which other variant(s) (p.His145Thrfs*23) have been determined to be pathogenic (internal data). This suggests that this is a clinically significant region of the protein, and that variants that disrupt it are likely to be disease-causing. For these reasons, this variant has been classified as Pathogenic.

GeneDx
Classification: Likely pathogenic. Last evaluated: 2023-10-11. Review status: criteria provided, single submitter. Criteria: GeneDx Variant Classification Process June 2021. Collection method: clinical testing. Allele origin: germline. Affected: yes.
Comment: Frameshift variant predicted to result in abnormal protein length as the last 65 amino acids are replaced with 39 different amino acids, and other similar variants have been reported in HGMD; Not observed at significant frequency in large population cohorts (gnomAD); This variant is associated with the following publications: (PMID: 36597280)

Literature cited by the submitters: PubMed 36597280 (cited by Ambry Genetics and Labcorp Genetics (formerly Invitae), Labcorp).

NM_003002.4(SDHD):c.283del (p.Leu95fs)

Gene: SDHD (succinate dehydrogenase complex subunit D; plus strand). Cytogenetic location: 11q23.1.
Variant type: Deletion.
Coding change: c.283del on transcript NM_003002.4 (MANE Select); coding-DNA position 283, one base deleted (C; older notation c.283delC).
Protein change: p.Leu95fs; shifts the reading frame from leucine 95.
Molecular consequence: frameshift variant. On other transcripts: non-coding transcript variant (1), intron variant (1).
Genome position (GRCh38, 1-based): chr11:112,088,980, C deleted; the last of 3 consecutive C bases (chr11:112,088,978-112,088,980); deleting any one gives the same sequence. VCF-style (leftmost placement, unchanged base first): chr11-112088977-TC-T. GRCh37 (hg19) VCF-style: chr11-111959701-TC-T.
Other names: c.283del (NM_003002.2); c.166del, p.Leu56fs (NM_001276504.2); c.283del, p.Leu95fs (NM_001276506.2); c.169+1007del (NM_001276503.2); c.283delC (NM_003002.2); short protein forms L56fs, L95fs.
Identifiers: ClinVar variation 1405955 (VCV001405955.10), dbSNP rs2135269692, ClinGen allele CA2573146860.